The following is an entry in ClinVar:

NM_001165963.4(SCN1A):c.2876G>A (p.Cys959Tyr)

Gene: SCN1A (sodium voltage-gated channel alpha subunit 1; minus strand). Cytogenetic location: 2q24.3.
Variant type: single nucleotide variant.
Coding change: c.2876G>A on transcript NM_001165963.4 (MANE Select); coding-DNA position 2876, G replaced by A.
Protein change: p.Cys959Tyr; replaces cysteine 959 with tyrosine.
Molecular consequence: missense variant. On other transcripts: non-coding transcript variant (1).
Genome position (GRCh38, 1-based): chr2:166,037,846, C>T on the plus strand (G>A on the coding strand, the complement: SCN1A is on the minus strand). VCF-style: chr2-166037846-C-T. GRCh37 (hg19) VCF-style: chr2-166894356-C-T.
Other names: c.2792G>A, p.Cys931Tyr (NM_001165964.3, NM_001353957.2, NM_001353958.2); c.2876G>A, p.Cys959Tyr (NM_001202435.3, NM_001353948.2); c.2843G>A, p.Cys948Tyr (NM_001353949.2, NM_001353950.2, NM_001353951.2 and 2 more transcripts); c.2840G>A, p.Cys947Tyr (NM_001353954.2, NM_001353955.2); c.2789G>A, p.Cys930Tyr (NM_001353960.2); c.434G>A, p.Cys145Tyr (NM_001353961.2); short protein forms C948Y, C959Y, C931Y, C930Y, C947Y, C145Y.
Identifiers: ClinVar variation 189867 (VCV000189867.9), dbSNP rs794726716, ClinGen allele CA303149.

ClinVar aggregate classification (germline): Pathogenic. Review status: criteria provided, multiple submitters, no conflicts (2 of 4 stars). 3 submissions from 3 submitters: Pathogenic (3). Last evaluated 2022-10-21.

Conditions:
Severe myoclonic epilepsy in infancy (DRVT). Also called: Epileptic encephalopathy, early infantile, 6 (Dravet syndrome); SEVERE MYOCLONIC EPILEPSY OF INFANCY; DEVELOPMENTAL AND EPILEPTIC ENCEPHALOPATHY 6A; Severe Myoclonic Epilepsy in Infancy (SMEI); Dravet syndrome. Identifiers: Orphanet 33069, MedGen C0751122, MONDO:0100135, OMIM 607208.

Submissions (3):

GeneDx
Classification: Pathogenic. Last evaluated: 2022-10-21. Review status: criteria provided, single submitter. Criteria: GeneDx Variant Classification Process June 2021. Collection method: clinical testing. Allele origin: germline. Affected: yes.
Comment: Not observed at significant frequency in large population cohorts (gnomAD); In silico analysis supports that this missense variant has a deleterious effect on protein structure/function; Missense variants in this gene are often considered pathogenic (HGMD); This substitution is predicted to be within the extracellular loop between the S5 and S6 transmembrane segments of the second homologous domain; This variant is associated with the following publications: (PMID: 24168886, 23934111, 32845893, 26096185)

Mayo Clinic Laboratories, Mayo Clinic
Classification: Pathogenic. Last evaluated: 2019-08-12. Review status: criteria provided, single submitter. Criteria: ACMG Guidelines, 2015. Collection method: clinical testing. Allele origin: germline. Observed: 1 variant allele.
Comment: PS2, PM1, PM2, PM5, PP3

Center for Bioinformatics, Peking University
Classification: Pathogenic for Dravet syndrome. Last evaluated: 2014-12-20. Review status: criteria provided, single submitter. Criteria: Xu et al. (Hum Mutat. 2015). Collection method: research. Allele origin: de novo. Affected: yes. Observed: 1 variant allele. Study: University Clinical Cooperation “985 Project” PKU-2014-1-1.
Comment: Dravet syndrome (DS) probands were recruited from the outpatient and inpatient child neurology units of Peking University First Hospital from 2005 till present. The study was approved by the Ethics Committee of Peking University First Hospital and the Institutional Review Board at Peking University. Participants or their parents provided written informed consent before enrollment. We collected a total of 267 mutations from 255 families with probands diagnosed with DS in China. All probands fulfilled the clinical diagnostic criteria.

Literature cited by the submitters: PubMed 26096185 (cited by Mayo Clinic Laboratories, Mayo Clinic); PubMed 23934111 (cited by Mayo Clinic Laboratories, Mayo Clinic).